The following is an entry in ClinVar:

NM_000057.4(BLM):c.4088C>T (p.Thr1363Ile)

Gene: BLM (BLM RecQ like helicase; plus strand). Cytogenetic location: 15q26.1.
Variant type: single nucleotide variant.
Coding change: c.4088C>T on transcript NM_000057.4 (MANE Select); coding-DNA position 4088, C replaced by T.
Protein change: p.Thr1363Ile; replaces threonine 1363 with isoleucine.
Molecular consequence: missense variant.
Genome position (GRCh38, 1-based): chr15:90,815,113, C>T. VCF-style: chr15-90815113-C-T. GRCh37 (hg19) VCF-style: chr15-91358343-C-T.
Other names: c.4088C>T, p.Thr1363Ile (NM_001287246.2); c.3695C>T, p.Thr1232Ile (NM_001287247.2); c.2963C>T, p.Thr988Ile (NM_001287248.2); short protein forms T1363I, T988I, T1232I.
Identifiers: ClinVar variation 405317 (VCV000405317.11), dbSNP rs1060500649, ClinGen allele CA16614623.

ClinVar aggregate classification (germline): Uncertain significance. Review status: criteria provided, multiple submitters, no conflicts (2 of 4 stars). 2 submissions from 2 submitters: Uncertain significance (2). Last evaluated 2025-05-30.

Conditions:
Bloom syndrome (BLM). Also called: Bloom-Torre-Machacek syndrome. Identifiers: Orphanet 125, MedGen C0005859, MONDO:0008876, OMIM 210900.
Hereditary cancer-predisposing syndrome. Also called: Hereditary Cancer Syndrome; Hereditary neoplastic syndrome; Neoplastic Syndromes, Hereditary; Tumor predisposition. Identifiers: Orphanet 140162, MedGen C0027672, MeSH D009386, MONDO:0015356.

Allele frequency attached by ClinVar (database versions not stated): gnomAD exomes below 0.00001; TOPMed below 0.00001; gnomAD 0.00001.
gnomAD v4.1: 3 of 1,613,944 alleles (0.00019%); highest among the groups gnomAD compares: Non-Finnish European, 0.00025%; no homozygotes.

Submissions (2):

Labcorp Genetics (formerly Invitae), Labcorp
Classification: Uncertain significance for Bloom syndrome. Last evaluated: 2025-05-30. Review status: criteria provided, single submitter. Criteria: Invitae Variant Classification Sherloc (09022015). Collection method: clinical testing. Allele origin: germline.
Comment: This sequence change replaces threonine, which is neutral and polar, with isoleucine, which is neutral and non-polar, at codon 1363 of the BLM protein (p.Thr1363Ile). This variant is not present in population databases (gnomAD no frequency). This variant has not been reported in the literature in individuals affected with BLM-related conditions. ClinVar contains an entry for this variant (Variation ID: 405317). Invitae Evidence Modeling of protein sequence and biophysical properties (such as structural, functional, and spatial information, amino acid conservation, physicochemical variation, residue mobility, and thermodynamic stability) indicates that this missense variant is not expected to disrupt BLM protein function with a negative predictive value of 80%. In summary, the available evidence is currently insufficient to determine the role of this variant in disease. Therefore, it has been classified as a Variant of Uncertain Significance.

Ambry Genetics
Classification: Uncertain significance for Hereditary cancer-predisposing syndrome. Last evaluated: 2020-12-30. Review status: criteria provided, single submitter. Criteria: Ambry Variant Classification Scheme 2023. Collection method: clinical testing. Allele origin: germline.
Comment: The p.T1363I variant (also known as c.4088C>T), located in coding exon 21 of the BLM gene, results from a C to T substitution at nucleotide position 4088. The threonine at codon 1363 is replaced by isoleucine, an amino acid with similar properties. This amino acid position is not well conserved in available vertebrate species. In addition, this alteration is predicted to be tolerated by in silico analysis. Since supporting evidence is limited at this time, the clinical significance of this alteration remains unclear.